The following is an entry in ClinVar:

NM_000051.4(ATM):c.663-3_663-2del

Gene: ATM (ATM serine/threonine kinase; plus strand). Cytogenetic location: 11q22.3.
Variant type: Microsatellite.
Coding change: c.663-3_663-2del on transcript NM_000051.4 (MANE Select); 3 bases into the intron before coding-DNA position 663 through the canonical splice acceptor site of the intron before coding-DNA position 663, 2 bases deleted (CA; older notation c.663-3_663-2delCA).
Molecular consequence: splice acceptor variant.
Genome position (GRCh38, 1-based): chr11:108,244,785-108,244,786, CA deleted; deleting any 2 consecutive bases within chr11:108,244,783-108,244,786 gives the same sequence; the c. name uses the placement nearest the transcript's 3' end. VCF-style (leftmost placement, unchanged base first): chr11-108244782-TCA-T. GRCh37 (hg19) VCF-style: chr11-108115509-TCA-T.
Other names: c.663-3_663-2del (NM_001351834.2).
Identifiers: ClinVar variation 2587755 (VCV002587755.2), dbSNP rs2497146242, ClinGen allele CA2582342449.

ClinVar aggregate classification (germline): Likely pathogenic (1 of 4 stars; one submission).

Conditions:
Hereditary cancer-predisposing syndrome. Also called: Tumor predisposition; Hereditary Cancer Syndrome; Hereditary neoplastic syndrome; Neoplastic Syndromes, Hereditary. Identifiers: Orphanet 140162, MedGen C0027672, MeSH D009386, MONDO:0015356.

Submission:

Ambry Genetics
Classification: Likely pathogenic for Hereditary cancer-predisposing syndrome. Last evaluated: 2023-06-16. Review status: criteria provided, single submitter. Criteria: Ambry Variant Classification Scheme 2023. Collection method: clinical testing. Allele origin: germline.
Comment: The c.663-3_663-2delCA intronic variant, located in intron 5 of the ATM gene, results from a deletion of two nucleotides within intron 5 of the ATM gene. This nucleotide position is highly conserved in available vertebrate species. In silico splice site analysis predicts that this alteration will weaken the native splice acceptor site. RNA studies have demonstrated that this alteration results in abnormal splicing in the set of samples tested (Ambry internal data). Based on the majority of available evidence to date, this variant is likely to be pathogenic.